The following is an entry in ClinVar:

ClinVar aggregate classification (germline): Conflicting classifications of pathogenicity. Review status: criteria provided, conflicting classifications (1 of 4 stars). 2 submissions from 2 submitters: Pathogenic (1); Uncertain significance (1). Last evaluated 2025-06-23.

Allele frequency attached by ClinVar (database versions not stated): gnomAD exomes 0.00001 and 0.00002.
gnomAD v4.1: 20 of 1,613,486 alleles (0.0012%); highest among the groups gnomAD compares: Non-Finnish European, 0.0015%; no homozygotes.

Submissions (2):

Labcorp Genetics (formerly Invitae), Labcorp
Classification: Pathogenic. Last evaluated: 2025-06-23. Review status: criteria provided, single submitter. Criteria: Invitae Variant Classification Sherloc (09022015). Collection method: clinical testing. Allele origin: germline.
Comment: This sequence change replaces isoleucine, which is neutral and non-polar, with asparagine, which is neutral and polar, at codon 1684 of the ABCA4 protein (p.Ile1684Asn). This variant is present in population databases (rs769711425, gnomAD 0.007%). This missense change has been observed in individual(s) with clinical features of autosomal recessive retinitis pigmentosa and/or Stargardt disease (internal data). ClinVar contains an entry for this variant (Variation ID: 1409233). Invitae Evidence Modeling of protein sequence and biophysical properties (such as structural, functional, and spatial information, amino acid conservation, physicochemical variation, residue mobility, and thermodynamic stability) indicates that this missense variant is expected to disrupt ABCA4 protein function with a positive predictive value of 95%. For these reasons, this variant has been classified as Pathogenic.

Blueprint Genetics
Classification: Uncertain significance. Last evaluated: 2019-12-22. Review status: criteria provided, single submitter. Criteria: ACMG Guidelines, 2015. Collection method: clinical testing. Allele origin: germline.

NM_000350.3(ABCA4):c.5051T>A (p.Ile1684Asn)

Gene: ABCA4 (ATP binding cassette subfamily A member 4; minus strand). Cytogenetic location: 1p22.1.
Variant type: single nucleotide variant.
Coding change: c.5051T>A on transcript NM_000350.3 (MANE Select); coding-DNA position 5051, T replaced by A.
Protein change: p.Ile1684Asn; replaces isoleucine 1684 with asparagine.
Molecular consequence: missense variant.
Genome position (GRCh38, 1-based): chr1:94,019,727, A>T on the plus strand (T>A on the coding strand, the complement: ABCA4 is on the minus strand). VCF-style: chr1-94019727-A-T. GRCh37 (hg19) VCF-style: chr1-94485283-A-T.
Other names: c.4829T>A, p.Ile1610Asn (NM_001425324.1); short protein forms I1684N, I1610N.
Identifiers: ClinVar variation 1409233 (VCV001409233.8), dbSNP rs769711425, ClinGen allele CA26844062.